The following is an entry in ClinVar:

ClinVar aggregate classification (germline): Conflicting classifications of pathogenicity. Review status: criteria provided, conflicting classifications (1 of 4 stars). 2 submissions from 2 submitters: Likely pathogenic (1); Uncertain significance (1). Last evaluated 2025-11-13.

Conditions:
Mitochondrial complex II deficiency, nuclear type 1. Also called: SUCCINATE CoQ REDUCTASE DEFICIENCY. Identifiers: Orphanet 3208, MedGen C5700310, MONDO:0100294, OMIM 252011.
Pheochromocytoma/paraganglioma syndrome 5. Also called: Paragangliomas 5; SDHA-Related Hereditary Paraganglioma-Pheochromocytoma Syndrome. Identifiers: Orphanet 29072, MedGen C3279992, MONDO:0013602, OMIM 614165.
Hereditary cancer-predisposing syndrome. Also called: Tumor predisposition; Hereditary neoplastic syndrome; Neoplastic Syndromes, Hereditary; Hereditary Cancer Syndrome. Identifiers: Orphanet 140162, MedGen C0027672, MeSH D009386, MONDO:0015356.

Submissions (2):

Ambry Genetics
Classification: Likely pathogenic for Hereditary cancer-predisposing syndrome. Last evaluated: 2025-11-13. Review status: criteria provided, single submitter. Criteria: Ambry Variant Classification Scheme 2023. Collection method: clinical testing. Allele origin: germline.
Comment: The c.1908G>T variant (also known as p.K636N), located in coding exon 14 of the SDHA gene, results from a G to T substitution at nucleotide position 1908. The amino acid change results in lysine to asparagine at codon 636, an amino acid with similar properties. However, this change occurs in the last base pair of coding exon 14, which makes it likely to have some effect on normal mRNA splicing. This nucleotide position is highly conserved in available vertebrate species. In silico splice site analysis predicts that this alteration will weaken the native splice donor site. RNA studies have demonstrated that this alteration results in abnormal splicing in the set of samples tested (Ambry internal data). This variant is considered to be rare based on population cohorts in the Genome Aggregation Database (gnomAD). Based on the majority of available evidence to date, this variant is likely to be pathogenic.

Labcorp Genetics (formerly Invitae), Labcorp
Classification: Uncertain significance for Pheochromocytoma/paraganglioma syndrome 5; Mitochondrial complex II deficiency, nuclear type 1. Last evaluated: 2020-07-30. Review status: criteria provided, single submitter. Criteria: Invitae Variant Classification Sherloc (09022015). Collection method: clinical testing. Allele origin: germline.
Comment: This sequence change replaces lysine with asparagine at codon 636 of the SDHA protein (p.Lys636Asn). The lysine residue is moderately conserved and there is a moderate physicochemical difference between lysine and asparagine. This variant also falls at the last nucleotide of exon 14 of the SDHA coding sequence, which is part of the consensus splice site for this exon. In summary, the available evidence is currently insufficient to determine the role of this variant in disease. Therefore, it has been classified as a Variant of Uncertain Significance. Nucleotide substitutions within the consensus splice site are a relatively common cause of aberrant splicing (PMID: 17576681, 9536098). Algorithms developed to predict the effect of sequence changes on RNA splicing suggest that this variant may disrupt the consensus splice site, but this prediction has not been confirmed by published transcriptional studies. Algorithms developed to predict the effect of missense changes on protein structure and function (SIFT, PolyPhen-2, Align-GVGD) all suggest that this variant is likely to be tolerated, but these predictions have not been confirmed by published functional studies and their clinical significance is uncertain. This variant has not been reported in the literature in individuals with SDHA-related disease. This variant is not present in population databases (ExAC no frequency).

Literature cited by the submitters: PubMed 17576681 (cited by Labcorp Genetics (formerly Invitae), Labcorp); PubMed 9536098 (cited by Labcorp Genetics (formerly Invitae), Labcorp).

NM_004168.4(SDHA):c.1908G>T (p.Lys636Asn)

Gene: SDHA (succinate dehydrogenase complex flavoprotein subunit A; plus strand). Cytogenetic location: 5p15.33.
Variant type: single nucleotide variant.
Coding change: c.1908G>T on transcript NM_004168.4 (MANE Select); coding-DNA position 1908, G replaced by T.
Protein change: p.Lys636Asn; replaces lysine 636 with asparagine.
Molecular consequence: missense variant.
Genome position (GRCh38, 1-based): chr5:254,506, G>T. VCF-style: chr5-254506-G-T. GRCh37 (hg19) VCF-style: chr5-254621-G-T.
Other names: c.1764G>T, p.Lys588Asn (NM_001294332.2); c.1665G>T, p.Lys555Asn (NM_001330758.2); short protein forms K555N, K588N, K636N.
Identifiers: ClinVar variation 1026441 (VCV001026441.14), dbSNP rs1244151760, ClinGen allele CA359002324.